The following is an entry in ClinVar:

ClinVar aggregate classification (germline): Uncertain significance (1 of 4 stars; one submission).

Conditions:
Rhabdoid tumor predisposition syndrome 2 (RTPS2). Identifiers: Orphanet 231108, Orphanet 69077, MedGen C2750074, MONDO:0013224, OMIM 613325.

Submission:

Labcorp Genetics (formerly Invitae), Labcorp
Classification: Uncertain significance for Rhabdoid tumor predisposition syndrome 2. Last evaluated: 2022-08-16. Review status: criteria provided, single submitter. Criteria: Invitae Variant Classification Sherloc (09022015). Collection method: clinical testing. Allele origin: germline.
Comment: In summary, the available evidence is currently insufficient to determine the role of this variant in disease. Therefore, it has been classified as a Variant of Uncertain Significance. Algorithms developed to predict the effect of missense changes on protein structure and function (SIFT, PolyPhen-2, Align-GVGD) all suggest that this variant is likely to be tolerated. This variant has not been reported in the literature in individuals affected with SMARCA4-related conditions. This variant is not present in population databases (gnomAD no frequency). This sequence change replaces glutamine, which is neutral and polar, with histidine, which is basic and polar, at codon 144 of the SMARCA4 protein (p.Gln144His).

NM_003072.5(SMARCA4):c.432G>T (p.Gln144His)

Gene: SMARCA4 (SWI/SNF related BAF chromatin remodeling complex subunit ATPase 4; plus strand). Cytogenetic location: 19p13.2.
Variant type: single nucleotide variant.
Coding change: c.432G>T on transcript NM_003072.5 (MANE Select); coding-DNA position 432, G replaced by T.
Protein change: p.Gln144His; replaces glutamine 144 with histidine.
Molecular consequence: missense variant. On other transcripts: non-coding transcript variant (1).
Genome position (GRCh38, 1-based): chr19:10,986,265, G>T. VCF-style: chr19-10986265-G-T. GRCh37 (hg19) VCF-style: chr19-11096941-G-T.
Other names: c.432G>T, p.Gln144His (NM_001128844.3, NM_001128845.2, NM_001128846.2 and 6 more transcripts); short protein forms Q144H.
Identifiers: ClinVar variation 1716503 (VCV001716503.5), dbSNP rs2145773841, ClinGen allele CA404055929.
Genomic context (GRCh38, chr19:10,986,265, plus strand): 5'-GGGTGGCTCTGAGCATGCCTCTAGTCCAGTTCCAGCCAGTGGCCCGTCTTCGGGGCCCCA[G>T]ATGTCTTCCGGGCCAGGAGGTGCCCCGCTGGATGGTGCTGACCCCCAGGCCTTGGGGCAG-3'
Protein context (NP_003063.2, residues 134-154): VPASGPSSGP[Gln144His]MSSGPGGAPL